The following is an entry in ClinVar:

ClinVar aggregate classification (germline): Likely pathogenic. Review status: criteria provided, multiple submitters, no conflicts (2 of 4 stars). 3 submissions from 3 submitters: Likely pathogenic (2). 1 of the submissions does not count toward it. Last evaluated 2025-01-23.

Conditions:
Propionic acidemia (PROP). Also called: GLYCINEMIA, KETOTIC; HYPERGLYCINEMIA WITH KETOACIDOSIS AND LEUKOPENIA; KETOTIC HYPERGLYCINEMIA. Identifiers: Orphanet 35, MedGen C0268579, MONDO:0011628, OMIM 606054, HP:0003571.

Allele frequency attached by ClinVar (database versions not stated): gnomAD exomes below 0.00001; gnomAD 0.00001.
gnomAD v4.1: 3 of 1,613,766 alleles (0.00019%); highest among the groups gnomAD compares: Admixed American, 0.0017%; no homozygotes.

Submissions (3):

Natera, Inc.
Classification: Likely pathogenic for Propionic acidemia. Last evaluated: 2025-01-23. Review status: criteria provided, single submitter. Criteria: Natera Variant Classification Schema (03/2026). Collection method: clinical testing. Allele origin: germline.
Comment: The c.491T>C variant in PCCA is a missense variant predicted to cause substitution of isoleucine to threonine at amino acid 164. This variant is rare in the general population with a frequency below the threshold expected for the associated phenotype(s). This variant has been observed in one or more individuals affected with the associated recessive disease, as either homozygous or compound heterozygous with a second variant (PMID: 11592820). Functional studies show that this variant may disrupt protein function (PMID: 12385775). Computational prediction algorithms indicate this variant is likely to affect gene or protein function. Given the available evidence, this variant is classified as Likely Pathogenic.

Labcorp Genetics (formerly Invitae), Labcorp
Classification: Likely pathogenic for Propionic acidemia. Last evaluated: 2023-06-22. Review status: criteria provided, single submitter. Criteria: Invitae Variant Classification Sherloc (09022015). Collection method: clinical testing. Allele origin: germline.
Comment: In summary, the currently available evidence indicates that the variant is pathogenic, but additional data are needed to prove that conclusively. Therefore, this variant has been classified as Likely Pathogenic. Experimental studies have shown that this missense change affects PCCA function (PMID: 12385775). Advanced modeling of protein sequence and biophysical properties (such as structural, functional, and spatial information, amino acid conservation, physicochemical variation, residue mobility, and thermodynamic stability) performed at Invitae indicates that this missense variant is expected to disrupt PCCA protein function. ClinVar contains an entry for this variant (Variation ID: 38868). This variant is also known as 416T>C (Ile139Thr). This missense change has been observed in individual(s) with propionic Acidemia (PMID: 10101253, 11592820). In at least one individual the data is consistent with being in trans (on the opposite chromosome) from a pathogenic variant. This variant is present in population databases (rs202247815, gnomAD 0.003%). This sequence change replaces isoleucine, which is neutral and non-polar, with threonine, which is neutral and polar, at codon 164 of the PCCA protein (p.Ile164Thr).

GeneReviews
No classification provided. Condition: Propionic acidemia. Review status: no classification provided. Collection method: literature only. Allele origin: unknown. Not counted in ClinVar's aggregate classification.

Literature cited by the submitters: PubMed 11592820 (cited by Natera, Inc. and Labcorp Genetics (formerly Invitae), Labcorp); PubMed 12385775 (cited by Natera, Inc. and Labcorp Genetics (formerly Invitae), Labcorp); PubMed 10101253 (cited by Labcorp Genetics (formerly Invitae), Labcorp); PubMed 22593918 (cited by GeneReviews); NCBI Bookshelf NBK92946 (cited by GeneReviews).

NM_000282.4(PCCA):c.491T>C (p.Ile164Thr)

Gene: PCCA (propionyl-CoA carboxylase subunit alpha; plus strand). Cytogenetic location: 13q32.3.
Variant type: single nucleotide variant.
Coding change: c.491T>C on transcript NM_000282.4 (MANE Select); coding-DNA position 491, T replaced by C.
Protein change: p.Ile164Thr; replaces isoleucine 164 with threonine.
Molecular consequence: missense variant. On other transcripts: 5 prime UTR variant (3), non-coding transcript variant (5).
Genome position (GRCh38, 1-based): chr13:100,209,354, T>C. VCF-style: chr13-100209354-T-C. GRCh37 (hg19) VCF-style: chr13-100861608-T-C.
Other names: c.413T>C, p.Ile138Thr (NM_001127692.3, NM_001352607.2, NM_001352608.2); c.491T>C, p.Ile164Thr (NM_001178004.2, NM_001352605.2, NM_001352606.2 and 1 more transcripts); c.-376T>C (NM_001352610.2, NM_001352611.2, NM_001352612.2); short protein forms I164T, I138T.
Identifiers: ClinVar variation 38868 (VCV000038868.13), dbSNP rs202247815, ClinGen allele CA343124.
Genomic context (GRCh38, chr13:100,209,354, plus strand): 5'-TGTTCTTGTTATAAATTTTGACTTGTTTTTCTCCACAGGCAGCAGAAGATGTCGTTTTCA[T>C]TGGACCTGACACACATGCTATTCAAGCCATGGGCGACAAGATTGAAAGCAAATTATTAGC-3'
Protein context (NP_000273.2, residues 154-174): RCLAAEDVVF[Ile164Thr]GPDTHAIQAM